The following is an entry in ClinVar:

NM_000535.7(PMS2):c.428T>A (p.Ile143Asn)

Gene: PMS2 (PMS1 homolog 2, mismatch repair system component; minus strand). Cytogenetic location: 7p22.1.
Variant type: single nucleotide variant.
Coding change: c.428T>A on transcript NM_000535.7 (MANE Select); coding-DNA position 428, T replaced by A.
Protein change: p.Ile143Asn; replaces isoleucine 143 with asparagine.
Molecular consequence: missense variant. On other transcripts: 5 prime UTR variant (2), non-coding transcript variant (1), intron variant (1).
Genome position (GRCh38, 1-based): chr7:6,002,562, A>T on the plus strand (T>A on the coding strand, the complement: PMS2 is on the minus strand). VCF-style: chr7-6002562-A-T. GRCh37 (hg19) VCF-style: chr7-6042193-A-T.
Other names: c.119T>A, p.Ile40Asn (NM_001406879.1, NM_001406880.1, NM_001406881.1 and 6 more transcripts); c.23T>A, p.Ile8Asn (NM_001406891.1, NM_001406890.1, NM_001406887.1 and 24 more transcripts); c.110T>A, p.Ile37Asn (NM_001406883.1, NM_001322007.2, NM_001322008.2 and 4 more transcripts); c.428T>A, p.Ile143Asn (NM_001406884.1, NM_001406886.1, NM_001322006.2 and 8 more transcripts); c.-457T>A (NM_001322011.2, NM_001322012.2); c.614T>A, p.Ile205Asn (NM_001406866.1); c.452T>A, p.Ile151Asn (NM_001406868.1); c.250+1410T>A (NM_001406885.1); short protein forms I205N, I37N, I8N, I151N, I40N, I143N.
Identifiers: ClinVar variation 3308086 (VCV003308086.1).

ClinVar aggregate classification (germline): Uncertain significance (1 of 4 stars; one submission).

Conditions:
Hereditary cancer-predisposing syndrome. Also called: Tumor predisposition; Hereditary Cancer Syndrome; Hereditary neoplastic syndrome; Neoplastic Syndromes, Hereditary. Identifiers: Orphanet 140162, MedGen C0027672, MeSH D009386, MONDO:0015356.

Submission:

Ambry Genetics
Classification: Uncertain significance for Hereditary cancer-predisposing syndrome. Last evaluated: 2024-03-28. Review status: criteria provided, single submitter. Criteria: Ambry Variant Classification Scheme 2023. Collection method: clinical testing. Allele origin: germline.
Comment: The p.I143N variant (also known as c.428T>A), located in coding exon 5 of the PMS2 gene, results from a T to A substitution at nucleotide position 428. The isoleucine at codon 143 is replaced by asparagine, an amino acid with dissimilar properties. This amino acid position is conserved. In addition, the in silico prediction for this alteration is inconclusive. Based on the available evidence, the clinical significance of this alteration remains unclear.